The following is an entry in ClinVar:

ClinVar aggregate classification (germline): Pathogenic (1 of 4 stars; one submission).

Submission:

Labcorp Genetics (formerly Invitae), Labcorp
Classification: Pathogenic. Last evaluated: 2025-07-19. Review status: criteria provided, single submitter. Criteria: Invitae Variant Classification Sherloc (09022015). Collection method: clinical testing. Allele origin: germline.
Comment: This sequence change creates a premature translational stop signal (p.Cys368Leufs*3) in the ARMC9 gene. It is expected to result in an absent or disrupted protein product. Loss-of-function variants in ARMC9 are known to be pathogenic (PMID: 28625504). This variant is present in population databases (no rsID available, gnomAD 0.002%). This variant has not been reported in the literature in individuals affected with ARMC9-related conditions. For these reasons, this variant has been classified as Pathogenic.

Literature cited by the submitters: PubMed 28625504.

NM_001352754.2(ARMC9):c.1102dup (p.Cys368fs)

Gene: ARMC9 (armadillo repeat containing 9; plus strand). Cytogenetic location: 2q37.1.
Variant type: Duplication.
Coding change: c.1102dup on transcript NM_001352754.2 (MANE Select); coding-DNA position 1102, one base duplicated (T; older notation c.1102dupT).
Protein change: p.Cys368fs; shifts the reading frame from cysteine 368.
Molecular consequence: frameshift variant. On other transcripts: non-coding transcript variant (1).
Genome position (GRCh38, 1-based): chr2:231,262,381, T duplicated. VCF-style (leftmost placement, unchanged base first): chr2-231262380-C-CT. GRCh37 (hg19) VCF-style: chr2-232127093-C-CT.
Other names: c.1102dup, p.Cys368fs (NM_001271466.4, NM_001291656.2, NM_001352755.2 and 3 more transcripts); c.1003dup, p.Cys335fs (NM_001352757.2, NM_001352758.2); short protein forms C335fs, C368fs.
Identifiers: ClinVar variation 4702604 (VCV004702604.1).